The following is an entry in ClinVar:

NM_002645.4(PIK3C2A):c.1159T>A (p.Ser387Thr)

Gene: PIK3C2A (phosphatidylinositol-4-phosphate 3-kinase catalytic subunit type 2 alpha; minus strand). Cytogenetic location: 11p15.1.
Variant type: single nucleotide variant.
Coding change: c.1159T>A on transcript NM_002645.4 (MANE Select); coding-DNA position 1159, T replaced by A.
Protein change: p.Ser387Thr; replaces serine 387 with threonine.
Molecular consequence: missense variant.
Genome position (GRCh38, 1-based): chr11:17,155,536, A>T on the plus strand (T>A on the coding strand, the complement: PIK3C2A is on the minus strand). VCF-style: chr11-17155536-A-T. GRCh37 (hg19) VCF-style: chr11-17177083-A-T.
Other names: c.1159T>A, p.Ser387Thr (NM_001321378.2, NM_001386870.1); c.19T>A, p.Ser7Thr (NM_001321380.2); short protein forms S7T, S387T.
Identifiers: ClinVar variation 2359288 (VCV002359288.3), dbSNP rs1449811176, ClinGen allele CA379768261.

ClinVar aggregate classification (germline): Uncertain significance. Review status: criteria provided, multiple submitters, no conflicts (2 of 4 stars). 2 submissions from 2 submitters: Uncertain significance (2). Last evaluated 2025-08-29.

Allele frequency attached by ClinVar (database versions not stated): TOPMed 0.00001; gnomAD 0.00001.
gnomAD v4.1: 11 of 1,581,030 alleles (0.0007%); highest among the groups gnomAD compares: East Asian, 0.022%; no homozygotes.

Submissions (2):

Labcorp Genetics (formerly Invitae), Labcorp
Classification: Uncertain significance. Last evaluated: 2025-08-29. Review status: criteria provided, single submitter. Criteria: Invitae Variant Classification Sherloc (09022015). Collection method: clinical testing. Allele origin: germline.
Comment: This sequence change replaces serine, which is neutral and polar, with threonine, which is neutral and polar, at codon 387 of the PIK3C2A protein (p.Ser387Thr). This variant is present in population databases (no rsID available, gnomAD 0.02%). This variant has not been reported in the literature in individuals affected with PIK3C2A-related conditions. ClinVar contains an entry for this variant (Variation ID: 2359288). An algorithm developed to predict the effect of missense changes on protein structure and function outputs the following: PolyPhen-2: "Benign". The threonine amino acid residue is found in multiple mammalian species, which suggests that this missense change does not adversely affect protein function. In summary, the available evidence is currently insufficient to determine the role of this variant in disease. Therefore, it has been classified as a Variant of Uncertain Significance.

Ambry Genetics
Classification: Uncertain significance. Last evaluated: 2022-12-19. Review status: criteria provided, single submitter. Criteria: Ambry Variant Classification Scheme 2023. Collection method: clinical testing. Allele origin: germline.